The following is an entry in ClinVar:

ClinVar aggregate classification (germline): Likely benign (1 of 4 stars; one submission).

Allele frequency attached by ClinVar (database versions not stated): gnomAD exomes 0.00030; 1000 Genomes Project 30x 0.00172; 1000 Genomes Project 0.00200; gnomAD 0.00536 and 0.00567.
gnomAD v4.1: 437 of 408,788 alleles (0.11%); highest among the groups gnomAD compares: African/African-American, 1.2%; 4 homozygotes.

Submission:

GeneDx
Classification: Likely benign. Last evaluated: 2018-06-19. Review status: criteria provided, single submitter. Criteria: GeneDx Variant Classification (06012015). Collection method: clinical testing. Allele origin: germline. Affected: yes.
Comment: This variant is considered likely benign or benign based on one or more of the following criteria: it is a conservative change, it occurs at a poorly conserved position in the protein, it is predicted to be benign by multiple in silico algorithms, and/or has population frequency not consistent with disease.

NM_000744.7(CHRNA4):c.77-235C>T

Gene: CHRNA4 (cholinergic receptor nicotinic alpha 4 subunit; minus strand). Cytogenetic location: 20q13.33.
Variant type: single nucleotide variant.
Coding change: c.77-235C>T on transcript NM_000744.7 (MANE Select); 235 bases into the intron before coding-DNA position 77, C replaced by T.
Molecular consequence: intron variant.
Genome position (GRCh38, 1-based): chr20:63,359,934, G>A on the plus strand (C>T on the coding strand, the complement: CHRNA4 is on the minus strand). VCF-style: chr20-63359934-G-A. GRCh37 (hg19) VCF-style: chr20-61991286-G-A.
Other names: c.-470-235C>T (NM_001256573.2).
Identifiers: ClinVar variation 678888 (VCV000678888.1), dbSNP rs533457282, ClinGen allele CA317446501.
Genomic context (GRCh38, chr20:63,359,934, plus strand): 5'-TGTGTGTGTGTGCCGGGCGTGTGCTGTGTGTGTGTGTGTGTGTGTGTGTGTGTGTGCCGG[G>A]CGTGGCGTGCGCTGACCTCTCTTGGCCTCCGGCTCTCTCCCACCCCTGGGTGTAATTGTG-3'